The following is an entry in ClinVar:

ClinVar aggregate classification (germline): Uncertain significance (1 of 4 stars; one submission).

Conditions:
Familial hypobetalipoproteinemia 1. Also called: APOB-Related Familial Hypobetalipoproteinemia; Hypobetalipoproteinemia, normotriglyceridemic; Acanthocytosis with hypobetalipoproteinemia. Identifiers: MedGen C4551990, MONDO:0014252, OMIM 615558.
Hypercholesterolemia, autosomal dominant, type B (FHCL2). Also called: APOLIPOPROTEIN B-100, FAMILIAL DEFECTIVE; APOLIPOPROTEIN B-100, FAMILIAL LIGAND-DEFECTIVE; HYPERCHOLESTEROLEMIA, FAMILIAL, DUE TO LIGAND-DEFECTIVE APOLIPOPROTEIN B; Hyperlipoproteinemia Type IIb; Familial hypercholesterolemia 2; Familial Hypercholesterolemia Type B. Identifiers: MedGen C1704417, MONDO:0007751, OMIM 144010.

Allele frequency attached by ClinVar (database versions not stated): gnomAD exomes below 0.00001.
gnomAD v4.1: 2 of 1,614,110 alleles (0.00012%); highest among the groups gnomAD compares: Non-Finnish European, 0.000085%; no homozygotes.

Submission:

Labcorp Genetics (formerly Invitae), Labcorp
Classification: Uncertain significance for Familial hypobetalipoproteinemia 1; Hypercholesterolemia, autosomal dominant, type B. Last evaluated: 2021-09-01. Review status: criteria provided, single submitter. Criteria: Invitae Variant Classification Sherloc (09022015). Collection method: clinical testing. Allele origin: germline.
Comment: This sequence change replaces isoleucine with threonine at codon 3128 of the APOB protein (p.Ile3128Thr). The isoleucine residue is highly conserved and there is a moderate physicochemical difference between isoleucine and threonine. This variant is not present in population databases (ExAC no frequency). This variant has not been reported in the literature in individuals affected with APOB-related conditions. Algorithms developed to predict the effect of missense changes on protein structure and function are either unavailable or do not agree on the potential impact of this missense change (SIFT: "Deleterious"; PolyPhen-2: "Benign"; Align-GVGD: "Class C0"). In summary, the available evidence is currently insufficient to determine the role of this variant in disease. Therefore, it has been classified as a Variant of Uncertain Significance.

NM_000384.3(APOB):c.9383T>C (p.Ile3128Thr)

Gene: APOB (apolipoprotein B; minus strand). Cytogenetic location: 2p24.1.
Variant type: single nucleotide variant.
Coding change: c.9383T>C on transcript NM_000384.3 (MANE Select); coding-DNA position 9383, T replaced by C.
Protein change: p.Ile3128Thr; replaces isoleucine 3128 with threonine.
Molecular consequence: missense variant.
Genome position (GRCh38, 1-based): chr2:21,007,485, A>G on the plus strand (T>C on the coding strand, the complement: APOB is on the minus strand). VCF-style: chr2-21007485-A-G. GRCh37 (hg19) VCF-style: chr2-21230357-A-G.
Other names: short protein forms I3128T.
Identifiers: ClinVar variation 1015245 (VCV001015245.46), dbSNP rs1572779900, ClinGen allele CA345990348.